The following is an entry in ClinVar:

NM_031935.3(HMCN1):c.8290+1G>A

Gene: HMCN1 (hemicentin 1; plus strand). Cytogenetic location: 1q31.1.
Variant type: single nucleotide variant.
Coding change: c.8290+1G>A on transcript NM_031935.3 (MANE Select); the canonical splice donor site of the intron after coding-DNA position 8290, G replaced by A.
Molecular consequence: splice donor variant.
Genome position (GRCh38, 1-based): chr1:186,074,892, G>A. VCF-style: chr1-186074892-G-A. GRCh37 (hg19) VCF-style: chr1-186044024-G-A.
Identifiers: ClinVar variation 2876915 (VCV002876915.3), dbSNP rs1351299207, ClinGen allele CA343911677.

ClinVar aggregate classification (germline): Uncertain significance (1 of 4 stars; one submission).

Allele frequency attached by ClinVar (database versions not stated): gnomAD exomes below 0.00001; gnomAD 0.00001.
gnomAD v4.1: 2 of 1,603,396 alleles (0.00012%); highest among the groups gnomAD compares: Non-Finnish European, 0.00017%; no homozygotes.

Submission:

Labcorp Genetics (formerly Invitae), Labcorp
Classification: Uncertain significance. Last evaluated: 2023-09-09. Review status: criteria provided, single submitter. Criteria: Invitae Variant Classification Sherloc (09022015). Collection method: clinical testing. Allele origin: germline.
Comment: In summary, the available evidence is currently insufficient to determine the role of this variant in disease. Therefore, it has been classified as a Variant of Uncertain Significance. Algorithms developed to predict the effect of sequence changes on RNA splicing suggest that this variant may disrupt the consensus splice site. This variant has not been reported in the literature in individuals affected with HMCN1-related conditions. This variant is present in population databases (no rsID available, gnomAD 0.007%). This sequence change affects a donor splice site in intron 53 of the HMCN1 gene. It is expected to disrupt RNA splicing. Variants that disrupt the donor or acceptor splice site typically lead to a loss of protein function (PMID: 16199547), however the current clinical and genetic evidence is not sufficient to establish whether loss-of-function variants in HMCN1 cause disease.

Literature cited by the submitters: PubMed 16199547.